The following is an entry in ClinVar:

NM_001556.3(IKBKB):c.1865C>T (p.Ala622Val)

Gene: IKBKB (inhibitor of nuclear factor kappa B kinase subunit beta; plus strand). Cytogenetic location: 8p11.21.
Variant type: single nucleotide variant.
Coding change: c.1865C>T on transcript NM_001556.3 (MANE Select); coding-DNA position 1865, C replaced by T.
Protein change: p.Ala622Val; replaces alanine 622 with valine.
Molecular consequence: missense variant. On other transcripts: non-coding transcript variant (3).
Genome position (GRCh38, 1-based): chr8:42,322,373, C>T. VCF-style: chr8-42322373-C-T. GRCh37 (hg19) VCF-style: chr8-42179891-C-T.
Other names: c.1673C>T, p.Ala558Val (NM_001190720.3); c.1688C>T, p.Ala563Val (NM_001242778.2); short protein forms A558V, A563V, A622V.
Identifiers: ClinVar variation 3622851 (VCV003622851.2).

ClinVar aggregate classification (germline): Uncertain significance (1 of 4 stars; one submission).

Conditions:
Severe combined immunodeficiency due to IKK2 deficiency. Also called: Immunodeficiency 15; IMMUNODEFICIENCY 15B. Identifiers: Orphanet 397787, MedGen C4747743, MONDO:0014267, OMIM 615592.

gnomAD v4.1: 13 of 1,613,594 alleles (0.00081%); highest among the groups gnomAD compares: East Asian, 0.0022%; no homozygotes.

Submission:

Labcorp Genetics (formerly Invitae), Labcorp
Classification: Uncertain significance for Severe combined immunodeficiency due to IKK2 deficiency. Last evaluated: 2024-05-02. Review status: criteria provided, single submitter. Criteria: Invitae Variant Classification Sherloc (09022015). Collection method: clinical testing. Allele origin: germline.
Comment: This sequence change replaces alanine, which is neutral and non-polar, with valine, which is neutral and non-polar, at codon 622 of the IKBKB protein (p.Ala622Val). This variant is not present in population databases (gnomAD no frequency). This variant has not been reported in the literature in individuals affected with IKBKB-related conditions. Advanced modeling of protein sequence and biophysical properties (such as structural, functional, and spatial information, amino acid conservation, physicochemical variation, residue mobility, and thermodynamic stability) performed at Invitae indicates that this missense variant is not expected to disrupt IKBKB protein function with a negative predictive value of 95%. In summary, the available evidence is currently insufficient to determine the role of this variant in disease. Therefore, it has been classified as a Variant of Uncertain Significance.